The following is an entry in ClinVar:

ClinVar aggregate classification (germline): Uncertain significance (1 of 4 stars; one submission).

Allele frequency attached by ClinVar (database versions not stated): gnomAD exomes below 0.00001.
gnomAD v4.1: 1 of 1,210,381 alleles (0.000083%); highest among the groups gnomAD compares: Non-Finnish European, 0.00011%; no homozygotes.

Submission:

Labcorp Genetics (formerly Invitae), Labcorp
Classification: Uncertain significance. Last evaluated: 2025-11-10. Review status: criteria provided, single submitter. Criteria: Invitae Variant Classification Sherloc (09022015). Collection method: clinical testing. Allele origin: germline.
Comment: This sequence change replaces histidine, which is basic and polar, with tyrosine, which is neutral and polar, at codon 1139 of the NEXMIF protein (p.His1139Tyr). This variant is not present in population databases (gnomAD no frequency). This variant has not been reported in the literature in individuals affected with NEXMIF-related conditions. ClinVar contains an entry for this variant (Variation ID: 2815914). An algorithm developed to predict the effect of missense changes on protein structure and function (PolyPhen-2) suggests that this variant is likely to be disruptive. In summary, the available evidence is currently insufficient to determine the role of this variant in disease. Therefore, it has been classified as a Variant of Uncertain Significance.

NM_001008537.3(NEXMIF):c.3415C>T (p.His1139Tyr)

Gene: NEXMIF (neurite extension and migration factor; minus strand). Cytogenetic location: Xq13.3.
Variant type: single nucleotide variant.
Coding change: c.3415C>T on transcript NM_001008537.3 (MANE Select); coding-DNA position 3415, C replaced by T.
Protein change: p.His1139Tyr; replaces histidine 1139 with tyrosine.
Molecular consequence: missense variant.
Genome position (GRCh38, 1-based): chrX:74,741,142, G>A on the plus strand (C>T on the coding strand, the complement: NEXMIF is on the minus strand). VCF-style: chrX-74741142-G-A. GRCh37 (hg19) VCF-style: chrX-73960977-G-A.
Other names: short protein forms H1139Y.
Identifiers: ClinVar variation 2815914 (VCV002815914.3), dbSNP rs2519912283, ClinGen allele CA413665999.
Genomic context (GRCh38, chrX:74,741,142, plus strand): 5'-ATGTTGACAGGCAAGGGTTTTTTTGGAGCAGGCTGACAGAATCCTCATCATTGAACATAT[G>A]GAACTGAAACTGGTGATTATTTAAAGTAAATCCATCCTCCATTTGGACCTGCCGTGAAAG-3'
Protein context (NP_001008537.1, residues 1129-1149): FTLNNHQFQF[His1139Tyr]MFNDEDSVSL